The following is an entry in ClinVar:

NM_032520.5(GNPTG):c.548C>T (p.Ala183Val)

Gene: GNPTG (N-acetylglucosamine-1-phosphate transferase subunit gamma; plus strand). Cytogenetic location: 16p13.3.
Variant type: single nucleotide variant.
Coding change: c.548C>T on transcript NM_032520.5 (MANE Select); coding-DNA position 548, C replaced by T.
Protein change: p.Ala183Val; replaces alanine 183 with valine.
Molecular consequence: missense variant.
Genome position (GRCh38, 1-based): chr16:1,362,473, C>T. VCF-style: chr16-1362473-C-T. GRCh37 (hg19) VCF-style: chr16-1412474-C-T.
Other names: short protein forms A183V.
Identifiers: ClinVar variation 317887 (VCV000317887.14), dbSNP rs759248626, ClinGen allele CA7807800.

ClinVar aggregate classification (germline): Uncertain significance. Review status: criteria provided, multiple submitters, no conflicts (2 of 4 stars). 5 submissions from 5 submitters: Uncertain significance (4). 1 of the submissions does not count toward it. Last evaluated 2025-04-04.

Conditions:
Inborn genetic diseases. Identifiers: MedGen C0950123, MeSH D030342.
GNPTG-mucolipidosis. Also called: ML III GAMMA; ML IIIC; MUCOLIPIDOSIS III, COMPLEMENTATION GROUP C; MUCOLIPIDOSIS III, IRANIAN VARIANT FORM; MUCOLIPIDOSIS III, VARIANT FORM; Mucolipidosis type III gamma. Identifiers: Orphanet 423470, Orphanet 577, MedGen C1854896, MONDO:0009652, OMIM 252605.

Allele frequency attached by ClinVar (database versions not stated): gnomAD 0.00006; gnomAD exomes 0.00001 and 0.00004; ExAC 0.00002; TOPMed 0.00003.
gnomAD v4.1: 33 of 1,613,962 alleles (0.002%); highest among the groups gnomAD compares: Admixed American, 0.035%; no homozygotes.

Submissions (5):

Ambry Genetics
Classification: Uncertain significance for Inborn genetic diseases. Last evaluated: 2025-04-04. Review status: criteria provided, single submitter. Criteria: Ambry Variant Classification Scheme 2023. Collection method: clinical testing. Allele origin: germline.

Labcorp Genetics (formerly Invitae), Labcorp
Classification: Uncertain significance. Last evaluated: 2022-10-17. Review status: criteria provided, single submitter. Criteria: Invitae Variant Classification Sherloc (09022015). Collection method: clinical testing. Allele origin: germline.
Comment: This sequence change replaces alanine, which is neutral and non-polar, with valine, which is neutral and non-polar, at codon 183 of the GNPTG protein (p.Ala183Val). This variant is present in population databases (rs759248626, gnomAD 0.02%). This variant has not been reported in the literature in individuals affected with GNPTG-related conditions. ClinVar contains an entry for this variant (Variation ID: 317887). Advanced modeling of protein sequence and biophysical properties (such as structural, functional, and spatial information, amino acid conservation, physicochemical variation, residue mobility, and thermodynamic stability) performed at Invitae indicates that this missense variant is not expected to disrupt GNPTG protein function. In summary, the available evidence is currently insufficient to determine the role of this variant in disease. Therefore, it has been classified as a Variant of Uncertain Significance.

Genome-Nilou Lab
Classification: Uncertain significance for GNPTG-mucolipidosis. Last evaluated: 2021-11-07. Review status: criteria provided, single submitter. Criteria: ACMG Guidelines, 2015. Collection method: clinical testing. Allele origin: germline. Affected: no.

Illumina Laboratory Services, Illumina
Classification: Uncertain significance for GNPTG-mucolipidosis. Last evaluated: 2018-01-12. Review status: criteria provided, single submitter. Criteria: ICSL Variant Classification Criteria 13 December 2019. Collection method: clinical testing. Allele origin: germline.

Natera, Inc.
Classification: Uncertain significance for Mucolipidosis III gamma. Last evaluated: 2019-10-28. Review status: no assertion criteria provided. Collection method: clinical testing. Allele origin: germline. Not counted in ClinVar's aggregate classification.